The following is an entry in ClinVar:

NM_199420.4(POLQ):c.6506G>A (p.Arg2169His)

Gene: POLQ (DNA polymerase theta; minus strand). Cytogenetic location: 3q13.33.
Variant type: single nucleotide variant.
Coding change: c.6506G>A on transcript NM_199420.4 (MANE Select); coding-DNA position 6506, G replaced by A.
Protein change: p.Arg2169His; replaces arginine 2169 with histidine.
Molecular consequence: missense variant.
Genome position (GRCh38, 1-based): chr3:121,473,387, C>T on the plus strand (G>A on the coding strand, the complement: POLQ is on the minus strand). VCF-style: chr3-121473387-C-T. GRCh37 (hg19) VCF-style: chr3-121192234-C-T.
Other names: short protein forms R2169H.
Identifiers: ClinVar variation 1753934 (VCV001753934.2), dbSNP rs766096475, ClinGen allele CA2562454.

ClinVar aggregate classification (germline): Uncertain significance (1 of 4 stars; one submission).

Allele frequency attached by ClinVar (database versions not stated): ExAC 0.00001.

Submission:

Ambry Genetics
Classification: Uncertain significance. Last evaluated: 2022-09-25. Review status: criteria provided, single submitter. Criteria: Ambry Variant Classification Scheme 2023. Collection method: clinical testing. Allele origin: germline.
Comment: The p.R2169H variant (also known as c.6506G>A), located in coding exon 21 of the POLQ gene, results from a G to A substitution at nucleotide position 6506. The arginine at codon 2169 is replaced by histidine, an amino acid with highly similar properties. This amino acid position is conserved. In addition, this alteration is predicted to be tolerated by in silico analysis. Since supporting evidence is limited at this time, the clinical significance of this alteration remains unclear.